The following is an entry in ClinVar:

NM_001382430.1(AKT1):c.1399C>T (p.Pro467Ser)

Gene: AKT1 (AKT serine/threonine kinase 1; minus strand). Cytogenetic location: 14q32.33.
Variant type: single nucleotide variant.
Coding change: c.1399C>T on transcript NM_001382430.1 (MANE Select); coding-DNA position 1399, C replaced by T.
Protein change: p.Pro467Ser; replaces proline 467 with serine.
Molecular consequence: missense variant.
Genome position (GRCh38, 1-based): chr14:104,770,385, G>A on the plus strand (C>T on the coding strand, the complement: AKT1 is on the minus strand). VCF-style: chr14-104770385-G-A. GRCh37 (hg19) VCF-style: chr14-105236722-G-A.
Other names: c.1399C>T, p.Pro467Ser (NM_001014431.2, NM_001014432.2, NM_001382431.1 and 3 more transcripts); short protein forms P467S.
Identifiers: ClinVar variation 2811135 (VCV002811135.3), dbSNP rs2542099464, ClinGen allele CA391214292.
Genomic context (GRCh38, chr14:104,770,385, plus strand): 5'-GCAGTCCACCGCCGCCTCAGGCCGTGCCGCTGGCCGAGTAGGAGAACTGGGGGAAGTGGG[G>A]CCTGCGCTCGCTGTCCACACACTCCATGCTGTCATCTGTGGGTGTAGACAGCTCAGACCC-3'
Protein context (NP_001369359.1, residues 457-477): SMECVDSERR[Pro467Ser]HFPQFSYSAS

ClinVar aggregate classification (germline): Uncertain significance (1 of 4 stars; one submission).

Conditions:
Cowden syndrome 6 (CWS6). Identifiers: Orphanet 201, MedGen C3554519, MONDO:0014048, OMIM 615109.

Submission:

Labcorp Genetics (formerly Invitae), Labcorp
Classification: Uncertain significance for Cowden syndrome 6. Last evaluated: 2022-11-01. Review status: criteria provided, single submitter. Criteria: Invitae Variant Classification Sherloc (09022015). Collection method: clinical testing. Allele origin: germline.
Comment: In summary, the available evidence is currently insufficient to determine the role of this variant in disease. Therefore, it has been classified as a Variant of Uncertain Significance. Algorithms developed to predict the effect of missense changes on protein structure and function are either unavailable or do not agree on the potential impact of this missense change (SIFT: "Tolerated"; PolyPhen-2: "Probably Damaging"; Align-GVGD: "Class C0"). This sequence change replaces proline, which is neutral and non-polar, with serine, which is neutral and polar, at codon 467 of the AKT1 protein (p.Pro467Ser). This variant is not present in population databases (gnomAD no frequency). This variant has not been reported in the literature in individuals affected with AKT1-related conditions.